The following is an entry in ClinVar:

ClinVar aggregate classification (germline): Uncertain significance. Review status: criteria provided, multiple submitters, no conflicts (2 of 4 stars). 2 submissions from 2 submitters: Uncertain significance (2). Last evaluated 2023-02-13.

Conditions:
Zellweger spectrum disorders (ZS). Also called: Zellweger Spectrum Disorder; Zellweger Spectrum; Zellweger syndrome; Zellweger Spectrum Disorder (ZSD). Identifiers: Orphanet 912, MedGen C0043459, MONDO:0019609.
Inborn genetic diseases. Identifiers: MedGen C0950123, MeSH D030342.

Allele frequency attached by ClinVar (database versions not stated): gnomAD exomes below 0.00001.

Submissions (2):

Ambry Genetics
Classification: Uncertain significance for Inborn genetic diseases. Last evaluated: 2023-02-13. Review status: criteria provided, single submitter. Criteria: Ambry Variant Classification Scheme 2023. Collection method: clinical testing. Allele origin: germline.

Labcorp Genetics (formerly Invitae), Labcorp
Classification: Uncertain significance for Zellweger spectrum disorders. Last evaluated: 2021-12-08. Review status: criteria provided, single submitter. Criteria: Invitae Variant Classification Sherloc (09022015). Collection method: clinical testing. Allele origin: germline.
Comment: This sequence change replaces asparagine, which is neutral and polar, with isoleucine, which is neutral and non-polar, at codon 395 of the PEX1 protein (p.Asn395Ile). This variant is present in population databases (no rsID available, gnomAD 0.01%). This variant has not been reported in the literature in individuals affected with PEX1-related conditions. Advanced modeling of protein sequence and biophysical properties (such as structural, functional, and spatial information, amino acid conservation, physicochemical variation, residue mobility, and thermodynamic stability) performed at Invitae indicates that this missense variant is not expected to disrupt PEX1 protein function. In summary, the available evidence is currently insufficient to determine the role of this variant in disease. Therefore, it has been classified as a Variant of Uncertain Significance.

NM_000466.3(PEX1):c.1184A>T (p.Asn395Ile)

Gene: PEX1 (peroxisomal biogenesis factor 1; minus strand). Cytogenetic location: 7q21.2.
Variant type: single nucleotide variant.
Coding change: c.1184A>T on transcript NM_000466.3 (MANE Select); coding-DNA position 1184, A replaced by T.
Protein change: p.Asn395Ile; replaces asparagine 395 with isoleucine.
Molecular consequence: missense variant.
Genome position (GRCh38, 1-based): chr7:92,517,331, T>A on the plus strand (A>T on the coding strand, the complement: PEX1 is on the minus strand). VCF-style: chr7-92517331-T-A. GRCh37 (hg19) VCF-style: chr7-92146645-T-A.
Other names: c.1184A>T, p.Asn395Ile (NM_001282677.2); c.560A>T, p.Asn187Ile (NM_001282678.2); c.1184A>T (NM_000466.2); short protein forms N395I, N187I.
Identifiers: ClinVar variation 1411296 (VCV001411296.4), dbSNP rs1008956990, ClinGen allele CA161973236.